The following is an entry in ClinVar:

ClinVar aggregate classification (germline): Uncertain significance. Review status: criteria provided, multiple submitters, no conflicts (2 of 4 stars). 3 submissions from 3 submitters: Uncertain significance (2). 1 of the submissions does not count toward it. Last evaluated 2023-10-09.

Conditions:
Inborn genetic diseases. Identifiers: MedGen C0950123, MeSH D030342.
CDH23-related disorder. Also called: CDH23-related disorders; CDH23-related condition.

Allele frequency attached by ClinVar (database versions not stated): gnomAD 0.00001; TOPMed 0.00001; ExAC 0.00002.
gnomAD v4.1: 19 of 1,613,132 alleles (0.0012%); highest among the groups gnomAD compares: East Asian, 0.0022%; no homozygotes.

Submissions (3):

Labcorp Genetics (formerly Invitae), Labcorp
Classification: Uncertain significance. Last evaluated: 2023-10-09. Review status: criteria provided, single submitter. Criteria: Invitae Variant Classification Sherloc (09022015). Collection method: clinical testing. Allele origin: germline.
Comment: This sequence change replaces arginine, which is basic and polar, with glutamine, which is neutral and polar, at codon 2935 of the CDH23 protein (p.Arg2935Gln). This variant is present in population databases (rs756521070, gnomAD 0.006%). This variant has not been reported in the literature in individuals affected with CDH23-related conditions. ClinVar contains an entry for this variant (Variation ID: 2142882). Advanced modeling of protein sequence and biophysical properties (such as structural, functional, and spatial information, amino acid conservation, physicochemical variation, residue mobility, and thermodynamic stability) performed at Invitae indicates that this missense variant is not expected to disrupt CDH23 protein function. In summary, the available evidence is currently insufficient to determine the role of this variant in disease. Therefore, it has been classified as a Variant of Uncertain Significance.

Ambry Genetics
Classification: Uncertain significance for Inborn genetic diseases. Last evaluated: 2021-09-27. Review status: criteria provided, single submitter. Criteria: Ambry Variant Classification Scheme 2023. Collection method: clinical testing. Allele origin: germline.

PreventionGenetics, part of Exact Sciences
Classification: Uncertain significance for CDH23-related condition. Last evaluated: 2024-09-03. Review status: no assertion criteria provided. Collection method: clinical testing. Allele origin: germline. Not counted in ClinVar's aggregate classification.
Comment: The CDH23 c.8804G>A variant is predicted to result in the amino acid substitution p.Arg2935Gln. To our knowledge, this variant has not been reported in the literature. This variant is reported in 0.0056% of alleles in individuals of East Asian descent in gnomAD. At this time, the clinical significance of this variant is uncertain due to the absence of conclusive functional and genetic evidence.

NM_022124.6(CDH23):c.8804G>A (p.Arg2935Gln)

Gene: CDH23 (cadherin related 23; plus strand). Cytogenetic location: 10q22.1.
Variant type: single nucleotide variant.
Coding change: c.8804G>A on transcript NM_022124.6 (MANE Select); coding-DNA position 8804, G replaced by A.
Protein change: p.Arg2935Gln; replaces arginine 2935 with glutamine.
Molecular consequence: missense variant.
Genome position (GRCh38, 1-based): chr10:71,809,901, G>A. VCF-style: chr10-71809901-G-A. GRCh37 (hg19) VCF-style: chr10-73569658-G-A.
Other names: c.2084G>A, p.Arg695Gln (NM_001171933.1, NM_001171934.1); c.8804G>A (NM_022124.5); short protein forms R2935Q, R695Q.
Identifiers: ClinVar variation 2142882 (VCV002142882.4), dbSNP rs756521070, ClinGen allele CA5546756.